The following is an entry in ClinVar:

NM_001136271.3(NKX2-6):c.281G>T (p.Gly94Val)

Gene: NKX2-6 (NK2 homeobox 6; minus strand). Cytogenetic location: 8p21.2.
Variant type: single nucleotide variant.
Coding change: c.281G>T on transcript NM_001136271.3 (MANE Select); coding-DNA position 281, G replaced by T.
Protein change: p.Gly94Val; replaces glycine 94 with valine.
Molecular consequence: missense variant.
Genome position (GRCh38, 1-based): chr8:23,703,076, C>A on the plus strand (G>T on the coding strand, the complement: NKX2-6 is on the minus strand). VCF-style: chr8-23703076-C-A. GRCh37 (hg19) VCF-style: chr8-23560589-C-A.
Other names: c.281G>T (NM_001136271.2); short protein forms G94V.
Identifiers: ClinVar variation 1513612 (VCV001513612.9), dbSNP rs1801035668, ClinGen allele CA370603310.

ClinVar aggregate classification (germline): Uncertain significance. Review status: criteria provided, multiple submitters, no conflicts (2 of 4 stars). 2 submissions from 2 submitters: Uncertain significance (2). Last evaluated 2025-10-20.

Conditions:
Conotruncal heart malformations (CTHM). Also called: Conotruncal heart malformations, variable. Identifiers: Orphanet 2445, Orphanet 3384, Orphanet 3426, MedGen C1857586, MONDO:0016581, OMIM 217095.
NKX2-6-related disorder. Also called: NKX2-6-related condition.

Allele frequency attached by ClinVar (database versions not stated): TOPMed below 0.00001; gnomAD exomes below 0.00001.
gnomAD v4.1: 2 of 1,539,770 alleles (0.00013%); highest among the groups gnomAD compares: Non-Finnish European, 0.00017%; no homozygotes.

Submissions (2):

PreventionGenetics, part of Exact Sciences
Classification: Uncertain significance for NKX2-6-related condition. Last evaluated: 2025-10-20. Review status: criteria provided, single submitter. Criteria: ACMG Guidelines, 2015. Collection method: clinical testing. Allele origin: germline.
Comment: The NKX2-6 c.281G>T variant is predicted to result in the amino acid substitution p.Gly94Val. To our knowledge, this variant has not been reported in the literature or in a large population database (gnomAD), indicating this variant is rare. At this time, the clinical significance of this variant is uncertain due to the absence of conclusive functional and genetic evidence.

Labcorp Genetics (formerly Invitae), Labcorp
Classification: Uncertain significance for Conotruncal heart malformations. Last evaluated: 2021-04-10. Review status: criteria provided, single submitter. Criteria: Invitae Variant Classification Sherloc (09022015). Collection method: clinical testing. Allele origin: germline.
Comment: In summary, the available evidence is currently insufficient to determine the role of this variant in disease. Therefore, it has been classified as a Variant of Uncertain Significance. Algorithms developed to predict the effect of missense changes on protein structure and function output the following: SIFT: "Tolerated"; PolyPhen-2: "Benign"; Align-GVGD: "Class C0". The valine amino acid residue is found in multiple mammalian species, suggesting that this missense change does not adversely affect protein function. These predictions have not been confirmed by published functional studies and their clinical significance is uncertain. This variant has not been reported in the literature in individuals with NKX2-6-related conditions. The frequency data for this variant in the population databases is considered unreliable, as metrics indicate insufficient coverage at this position in the ExAC database. This sequence change replaces glycine with valine at codon 94 of the NKX2-6 protein (p.Gly94Val). The glycine residue is moderately conserved and there is a moderate physicochemical difference between glycine and valine.